The following is an entry in ClinVar:

ClinVar aggregate classification (germline): Uncertain significance (1 of 4 stars; one submission).

Conditions:
Cardiovascular phenotype. Identifiers: MedGen CN230736.

Submission:

Ambry Genetics
Classification: Uncertain significance for Cardiovascular phenotype. Last evaluated: 2020-09-10. Review status: criteria provided, single submitter. Criteria: Ambry Variant Classification Scheme 2023. Collection method: clinical testing. Allele origin: germline.
Comment: The c.3416_3417delACinsGA variant (also known as p.D1139G), located in coding exon 22 of the TRPM4 gene, results from an in-frame deletion of AC and insertion of GA at nucleotide positions 3416 to 3417. This results in the substitution of the aspartic acid residue for a glycine residue at codon 1139, an amino acid with similar properties. This amino acid position is not well conserved in available vertebrate species, and glycine is the reference amino acid in other vertebrate species. In addition, this alteration is predicted to be neutral by in silico analysis (Choi Y et al. PLoS ONE. 2012; 7(10):e46688). Since supporting evidence is limited at this time, the clinical significance of this alteration remains unclear.

NM_017636.4(TRPM4):c.3416_3417delinsGA (p.Asp1139Gly)

Gene: TRPM4 (transient receptor potential cation channel subfamily M member 4; plus strand). Cytogenetic location: 19q13.33.
Variant type: Indel.
Coding change: c.3416_3417delinsGA on transcript NM_017636.4 (MANE Select); coding-DNA positions 3416 to 3417, AC replaced by GA.
Protein change: p.Asp1139Gly; replaces aspartic acid 1139 with glycine.
Molecular consequence: missense variant.
Genome position (GRCh38, 1-based): chr19:49,210,797-49,210,798, AC replaced by GA. VCF-style: chr19-49210797-AC-GA. GRCh37 (hg19) VCF-style: chr19-49714054-AC-GA.
Other names: c.2981_2982delinsGA, p.Asp994Gly (NM_001195227.2); c.3071_3072delinsGA, p.Asp1024Gly (NM_001321281.2); c.1808_1809delinsGA, p.Asp603Gly (NM_001321282.2); c.2894_2895delinsGA, p.Asp965Gly (NM_001321283.2); c.2354_2355delinsGA, p.Asp785Gly (NM_001321285.2); short protein forms D1024G, D1139G, D603G, D785G, D965G, D994G.
Identifiers: ClinVar variation 1731209 (VCV001731209.2), dbSNP rs2514242557, ClinGen allele CA2580097539.